The following is an entry in ClinVar:

NM_004523.4(KIF11):c.2002-3A>G

Gene: KIF11 (kinesin family member 11; plus strand). Cytogenetic location: 10q23.33.
Variant type: single nucleotide variant.
Coding change: c.2002-3A>G on transcript NM_004523.4 (MANE Select); 3 bases into the intron before coding-DNA position 2002, A replaced by G.
Molecular consequence: intron variant.
Genome position (GRCh38, 1-based): chr10:92,637,384, A>G. VCF-style: chr10-92637384-A-G. GRCh37 (hg19) VCF-style: chr10-94397141-A-G.
Identifiers: ClinVar variation 4092018 (VCV004092018.2).
Genomic context (GRCh38, chr10:92,637,384, plus strand): 5'-GTTCTTAATATCTCAAAATTGATGTGTTGTTTAAGAAGGAAACTCATTTTTGTTTCTTCA[A>G]AGATAGAAGATCAAAAAAAGGAACTAGATGGCTTTCTCAGTATACTGTGTAACAATCTAC-3'

ClinVar aggregate classification (germline): Uncertain significance (1 of 4 stars; one submission).

Conditions:
Inborn genetic diseases. Identifiers: MedGen C0950123, MeSH D030342.

Submission:

Ambry Genetics
Classification: Uncertain significance for Inborn genetic diseases. Last evaluated: 2026-03-24. Review status: criteria provided, single submitter. Criteria: Ambry Variant Classification Scheme 2023. Collection method: clinical testing. Allele origin: germline.
Comment: The c.2002-3A>G intronic alteration results from an A to G substitution 3 nucleotides before coding exon 16 in the KIF11 gene. This variant was not reported in population-based cohorts in the Genome Aggregation Database (gnomAD). This nucleotide position is highly conserved in available vertebrate species. RNA studies have demonstrated that this variant results in a splice defect; the clinical impact of this abnormal splicing is unknown at this time (Ambry internal data). In silico splice site analysis predicts that this alteration will result in the creation or strengthening of a novel splice acceptor site. Based on insufficient or conflicting evidence, the clinical significance of this alteration remains unclear.